The following is an entry in ClinVar:

ClinVar aggregate classification (germline): Benign/Likely benign. Review status: criteria provided, multiple submitters, no conflicts (2 of 4 stars). 5 submissions from 5 submitters: Benign (1); Likely benign (3). 1 of the submissions does not count toward it. Last evaluated 2025-06-29.

Conditions:
Inborn genetic diseases. Identifiers: MedGen C0950123, MeSH D030342.
RAI1-related disorder. Also called: RAI1-related condition.

Allele frequency attached by ClinVar (database versions not stated): gnomAD exomes 0.00002 and 0.00007; ExAC 0.00004; ESP Exome Variant Server 0.00008; TOPMed 0.00022; gnomAD 0.00023.
gnomAD v4.1: 68 of 1,614,110 alleles (0.0042%); highest among the groups gnomAD compares: African/African-American, 0.067%; no homozygotes.

Submissions (5):

Labcorp Genetics (formerly Invitae), Labcorp
Classification: Likely benign. Last evaluated: 2025-06-29. Review status: criteria provided, single submitter. Criteria: Invitae Variant Classification Sherloc (09022015). Collection method: clinical testing. Allele origin: germline.

GeneDx
Classification: Benign. Last evaluated: 2020-12-18. Review status: criteria provided, single submitter. Criteria: GeneDx Variant Classification Process June 2021. Collection method: clinical testing. Allele origin: germline. Affected: yes.

Blueprint Genetics
Classification: Likely benign. Last evaluated: 2020-11-23. Review status: criteria provided, single submitter. Criteria: ACMG Guidelines, 2015. Collection method: clinical testing. Allele origin: germline.

Ambry Genetics
Classification: Likely benign for Inborn genetic diseases. Last evaluated: 2016-11-11. Review status: criteria provided, single submitter. Criteria: Ambry Variant Classification Scheme 2023. Collection method: clinical testing. Allele origin: germline.

PreventionGenetics, part of Exact Sciences
Classification: Likely benign for RAI1-related condition. Last evaluated: 2020-06-12. Review status: no assertion criteria provided. Collection method: clinical testing. Allele origin: germline. Not counted in ClinVar's aggregate classification.
Comment: This variant is classified as likely benign based on ACMG/AMP sequence variant interpretation guidelines (Richards et al. 2015 PMID: 25741868, with internal and published modifications).

NM_030665.4(RAI1):c.1134C>T (p.Ser378=)

Gene: RAI1 (retinoic acid induced 1; plus strand). Cytogenetic location: 17p11.2.
Variant type: single nucleotide variant.
Coding change: c.1134C>T on transcript NM_030665.4 (MANE Select); coding-DNA position 1134, C replaced by T.
Protein change: p.Ser378=; no amino-acid change (serine 378 retained).
Molecular consequence: synonymous variant.
Genome position (GRCh38, 1-based): chr17:17,794,082, C>T. VCF-style: chr17-17794082-C-T. GRCh37 (hg19) VCF-style: chr17-17697396-C-T.
Identifiers: ClinVar variation 588431 (VCV000588431.18), dbSNP rs141719449, ClinGen allele CA8418276.